The following is an entry in ClinVar:

NM_001165963.4(SCN1A):c.2177-10_2177-9insA

Gene: SCN1A (sodium voltage-gated channel alpha subunit 1; minus strand). Cytogenetic location: 2q24.3.
Variant type: Insertion.
Coding change: c.2177-10_2177-9insA on transcript NM_001165963.4 (MANE Select); 10 bases into the intron before coding-DNA position 2177 through 9 bases into the intron before coding-DNA position 2177, A inserted.
Molecular consequence: intron variant.
Genome position: GRCh38 VCF-style: chr2-166041478-A-AT. GRCh37 (hg19) VCF-style: chr2-166897988-A-AT.
Other names: c.2144-10_2144-9insA (NM_001353949.2, NM_001353950.2, NM_001353951.2 and 2 more transcripts); c.2093-10_2093-9insA (NM_001353958.2, NM_001353957.2, NM_001165964.3); c.2177-10_2177-9insA (NM_001202435.3, NM_001353948.2); c.2141-10_2141-9insA (NM_001353955.2, NM_001353954.2); c.2090-10_2090-9insA (NM_001353960.2); c.-282-10_-282-9insA (NM_001353961.2).
Identifiers: ClinVar variation 930265 (VCV000930265.3), dbSNP rs1553543440, ClinGen allele CA59792103.

ClinVar aggregate classification (germline): Uncertain significance (1 of 4 stars; one submission).

Conditions:
Migraine, familial hemiplegic, 3. Identifiers: Orphanet 569, MedGen C1864987, MONDO:0012320, OMIM 609634.

Submission:

Centre for Mendelian Genomics, University Medical Centre Ljubljana
Classification: Uncertain significance for Migraine, familial hemiplegic, 3. Last evaluated: 2020-04-02. Review status: criteria provided, single submitter. Criteria: ACMG Guidelines, 2015. Collection method: clinical testing. Allele origin: unknown. Affected: yes.
Comment: This variant was classified as: Uncertain significance. The available evidence on this variant's pathogenicity is insufficient or conflicting. The following ACMG criteria were applied in classifying this variant: PM2,BP4.